The following is an entry in ClinVar:

ClinVar aggregate classification (germline): Uncertain significance (1 of 4 stars; one submission).

Conditions:
Hereditary cancer-predisposing syndrome. Also called: Neoplastic Syndromes, Hereditary; Tumor predisposition; Hereditary Cancer Syndrome; Hereditary neoplastic syndrome. Identifiers: Orphanet 140162, MedGen C0027672, MeSH D009386, MONDO:0015356.

Submission:

Ambry Genetics
Classification: Uncertain significance for Hereditary cancer-predisposing syndrome. Last evaluated: 2026-04-14. Review status: criteria provided, single submitter. Criteria: Ambry Variant Classification Scheme 2023. Collection method: clinical testing. Allele origin: germline.
Comment: The c.2173_2175delGAG variant (also known as p.E725del) is located in coding exon 13 of the DICER1 gene. This variant results from an in-frame GAG deletion at nucleotide positions 2173 to 2175. This results in the in-frame deletion of a glutamic acid at codon 725. This amino acid position is highly conserved in available vertebrate species. In addition, the in silico prediction for this variant is inconclusive (Choi Y et al. PLoS ONE. 2012; 7(10):e46688). Based on the available evidence, the clinical significance of this variant remains unclear.

NM_177438.3(DICER1):c.2170GAG[1] (p.Glu725del)

Gene: DICER1 (dicer 1, ribonuclease III; minus strand). Cytogenetic location: 14q32.13.
Variant type: Microsatellite.
Coding change: c.2170GAG[1] on transcript NM_177438.3 (MANE Select); one copy of the 3-base unit GAG starting at c.2170; the reference has two copies in a row; one copy, 3 bases deleted.
Protein change: p.Glu725del; deletes glutamic acid 725.
Molecular consequence: inframe deletion. On other transcripts: inframe indel (2), non-coding transcript variant (6).
Genome position (GRCh38, 1-based): chr14:95,111,398-95,111,400, CTC deleted on the plus strand (GAG on the coding strand, the reverse complement: DICER1 is on the minus strand); deleting any 3 consecutive bases within chr14:95,111,398-95,111,403 gives the same sequence; the position shown is the placement nearest the transcript's 3' end. VCF-style (leftmost placement, unchanged base first): chr14-95111397-GCTC-G. GRCh37 (hg19) VCF-style: chr14-95577734-GCTC-G.
Other names: c.2170GAG[1], p.Glu725del (NM_030621.4, NM_001395679.1, NM_001395680.1 and 12 more transcripts); c.2170_2172GAG[1], p.Glu725del (NM_177438.2); c.1888GAG[1], p.Glu631del (NM_001395686.1); c.1765GAG[1], p.Glu590del (NM_001395687.1, NM_001395688.1, NM_001395689.1 and 3 more transcripts); c.1603GAG[1], p.Glu536del (NM_001395691.1); c.487GAG[1], p.Glu164del (NM_001395697.1); c.2173_2175delGAG (NM_177438.2); short protein forms E164del, E536del, E590del, E631del, E725del.
Identifiers: ClinVar variation 4869753 (VCV004869753.1).
Genomic context (GRCh38, chr14:95,111,397, plus strand): 5'-TTCGTTTCGTGGAACCTGGTCTTCCTGGAACACTGGTCTCTTCTTCATCATGCAAATCAA[GCTC>G]CTCTTCATATTTAACAGTCTCTTTCCCAACTGGCATCAAATGGTCATCCAGTTCGCCTAA-3'